The following is an entry in ClinVar:

ClinVar aggregate classification (germline): Uncertain significance (1 of 4 stars; one submission).

Conditions:
Hereditary spastic paraplegia 74. Also called: Spastic paraplegia 74, autosomal recessive. Identifiers: Orphanet 468661, MedGen C5568837, MONDO:0014644, OMIM 616451.
Multiple mitochondrial dysfunctions syndrome 3 (MMDS3). Identifiers: Orphanet 363424, MedGen C3809165, MONDO:0014132, OMIM 615330.

Allele frequency attached by ClinVar (database versions not stated): gnomAD exomes below 0.00001; ExAC 0.00001.
gnomAD v4.1: 2 of 1,552,564 alleles (0.00013%); highest among the groups gnomAD compares: Non-Finnish European, 0.00017%; no homozygotes.

Submission:

Labcorp Genetics (formerly Invitae), Labcorp
Classification: Uncertain significance for Multiple mitochondrial dysfunctions syndrome 3; Hereditary spastic paraplegia 74. Last evaluated: 2022-07-21. Review status: criteria provided, single submitter. Criteria: Invitae Variant Classification Sherloc (09022015). Collection method: clinical testing. Allele origin: germline.
Comment: In summary, the available evidence is currently insufficient to determine the role of this variant in disease. Therefore, it has been classified as a Variant of Uncertain Significance. Algorithms developed to predict the effect of missense changes on protein structure and function (SIFT, PolyPhen-2, Align-GVGD) all suggest that this variant is likely to be disruptive. This variant has not been reported in the literature in individuals affected with IBA57-related conditions. The frequency data for this variant in the population databases is considered unreliable, as metrics indicate poor data quality at this position in the gnomAD database. This sequence change replaces arginine, which is basic and polar, with glutamine, which is neutral and polar, at codon 223 of the IBA57 protein (p.Arg223Gln).

NM_001010867.4(IBA57):c.668G>A (p.Arg223Gln)

Gene: IBA57 (iron-sulfur cluster assembly factor IBA57; plus strand). Cytogenetic location: 1q42.13.
Variant type: single nucleotide variant.
Coding change: c.668G>A on transcript NM_001010867.4 (MANE Select); coding-DNA position 668, G replaced by A.
Protein change: p.Arg223Gln; replaces arginine 223 with glutamine.
Molecular consequence: missense variant.
Genome position (GRCh38, 1-based): chr1:228,175,018, G>A. VCF-style: chr1-228175018-G-A. GRCh37 (hg19) VCF-style: chr1-228362719-G-A.
Other names: c.89G>A, p.Arg30Gln (NM_001310327.2); short protein forms R30Q, R223Q.
Identifiers: ClinVar variation 2171676 (VCV002171676.4), dbSNP rs753604716, ClinGen allele CA1431208.
Genomic context (GRCh38, chr1:228,175,018, plus strand): 5'-AAGGCCCAGCCCTGGTGCCCGGGGGCCGGCTCGGGGACTTGTGGGATTATCACCAGCACC[G>A]ATACCTGCAAGGTATGGGTGGGGTGGGCACGCTGGGCTGGATTGCACGGGTGGAGCTGGA-3'
Protein context (NP_001010867.1, residues 213-233): LGDLWDYHQH[Arg223Gln]YLQGVPEGVR